The following is an entry in ClinVar:

NM_015271.5(TRIM2):c.106C>A (p.Pro36Thr)

Gene: TRIM2 (tripartite motif containing 2; plus strand). Cytogenetic location: 4q31.3.
Variant type: single nucleotide variant.
Coding change: c.106C>A on transcript NM_015271.5 (MANE Select); coding-DNA position 106, C replaced by A.
Protein change: p.Pro36Thr; replaces proline 36 with threonine.
Molecular consequence: missense variant. On other transcripts: 5 prime UTR variant (3), intron variant (1).
Genome position (GRCh38, 1-based): chr4:153,270,410, C>A. VCF-style: chr4-153270410-C-A. GRCh37 (hg19) VCF-style: chr4-154191562-C-A.
Other names: c.25C>A, p.Pro9Thr (NM_001130067.2, NM_001351056.2, NM_001375512.1 and 5 more transcripts); c.106C>A, p.Pro36Thr (NM_001302692.2, NM_001375488.1, NM_001375490.1 and 1 more transcripts); c.103C>A, p.Pro35Thr (NM_001302693.2, NM_001375489.1, NM_001375491.1 and 1 more transcripts); c.79C>A, p.Pro27Thr (NM_001302694.2, NM_001351054.2); c.76C>A, p.Pro26Thr (NM_001351055.2); c.-452C>A (NM_001351057.2); c.-184C>A (NM_001375522.1, NM_001375523.1); c.-124-5483C>A (NM_001375525.1); short protein forms P27T, P9T, P35T, P26T, P36T.
Identifiers: ClinVar variation 1432708 (VCV001432708.8), dbSNP rs769878993, ClinGen allele CA358469027.

ClinVar aggregate classification (germline): Uncertain significance (1 of 4 stars; one submission).

Conditions:
Charcot-Marie-Tooth disease type 2R. Also called: CHARCOT-MARIE-TOOTH DISEASE, AXONAL, AUTOSOMAL RECESSIVE, TYPE 2R; CHARCOT-MARIE-TOOTH NEUROPATHY, TYPE 2R; Charcot-Marie-Tooth disease, axonal, type 2R. Identifiers: Orphanet 397968, MedGen C3809655, MONDO:0014208, OMIM 615490.

Submission:

Labcorp Genetics (formerly Invitae), Labcorp
Classification: Uncertain significance for Charcot-Marie-Tooth disease type 2R. Last evaluated: 2021-05-24. Review status: criteria provided, single submitter. Criteria: Invitae Variant Classification Sherloc (09022015). Collection method: clinical testing. Allele origin: germline.
Comment: In summary, the available evidence is currently insufficient to determine the role of this variant in disease. Therefore, it has been classified as a Variant of Uncertain Significance. Algorithms developed to predict the effect of missense changes on protein structure and function are either unavailable or do not agree on the potential impact of this missense change (SIFT: "Deleterious"; PolyPhen-2: "Benign"; Align-GVGD: "Class C35"). This variant has not been reported in the literature in individuals with TRIM2-related conditions. This variant is not present in population databases (ExAC no frequency). This sequence change replaces proline with threonine at codon 9 of the TRIM2 protein (p.Pro9Thr). The proline residue is highly conserved and there is a small physicochemical difference between proline and threonine.